The following is an entry in ClinVar:

ClinVar aggregate classification (germline): Uncertain significance (1 of 4 stars; one submission).

Submission:

Ambry Genetics
Classification: Uncertain significance. Last evaluated: 2022-05-04. Review status: criteria provided, single submitter. Criteria: Ambry Variant Classification Scheme 2023. Collection method: clinical testing. Allele origin: germline.
Comment: The p.S1474I variant (also known as c.4421G>T), located in coding exon 4 of the ALPK2 gene, results from a G to T substitution at nucleotide position 4421. The serine at codon 1474 is replaced by isoleucine, an amino acid with dissimilar properties. This amino acid position is conserved. In addition, this alteration is predicted to be tolerated by in silico analysis. Since supporting evidence is limited at this time, the clinical significance of this alteration remains unclear.

NM_052947.4(ALPK2):c.4421G>T (p.Ser1474Ile)

Genes: ALPK2 (alpha kinase 2; minus strand), LOC126862764 (BRD4-independent group 4 enhancer GRCh37_chr18:56202574-56203773; plus strand). Cytogenetic location: 18q21.31.
Variant type: single nucleotide variant.
Coding change: c.4421G>T on transcript NM_052947.4 (MANE Select); coding-DNA position 4421, G replaced by T.
Protein change: p.Ser1474Ile; replaces serine 1474 with isoleucine.
Molecular consequence: missense variant.
Genome position (GRCh38, 1-based): chr18:58,535,766, C>A on the plus strand (G>T on the coding strand, the complement: ALPK2 is on the minus strand). VCF-style: chr18-58535766-C-A. GRCh37 (hg19) VCF-style: chr18-56202998-C-A.
Other names: short protein forms S1474I.
Identifiers: ClinVar variation 1740487 (VCV001740487.2), dbSNP rs538499567, ClinGen allele CA402562600.